The following is an entry in ClinVar:

ClinVar aggregate classification (germline): Conflicting classifications of pathogenicity. Review status: criteria provided, conflicting classifications (1 of 4 stars). 3 submissions from 3 submitters: Uncertain significance (2); Likely benign (1). Last evaluated 2025-12-01.

Submissions (3):

Labcorp Genetics (formerly Invitae), Labcorp
Classification: Likely benign. Last evaluated: 2025-12-01. Review status: criteria provided, single submitter. Criteria: Invitae Variant Classification Sherloc (09022015). Collection method: clinical testing. Allele origin: germline.

Mayo Clinic Laboratories, Mayo Clinic
Classification: Uncertain significance. Last evaluated: 2024-04-05. Review status: criteria provided, single submitter. Criteria: ACMG Guidelines, 2015. Collection method: clinical testing. Allele origin: germline. Observed: 1 variant allele.
Comment: PM2, PM4

GeneDx
Classification: Uncertain significance. Last evaluated: 2021-12-22. Review status: criteria provided, single submitter. Criteria: GeneDx Variant Classification Process June 2021. Collection method: clinical testing. Allele origin: germline. Affected: yes.
Comment: Not observed at significant frequency in large population cohorts (gnomAD); In-frame deletion of 1 amino acids in a non-repeat region; In silico analysis supports that this variant does not alter protein structure/function; Has not been previously published as pathogenic or benign to our knowledge

NM_001356.5(DDX3X):c.1815_1817del (p.Ser606del)

Gene: DDX3X (DEAD-box helicase 3 X-linked; plus strand). Cytogenetic location: Xp11.4.
Variant type: Deletion.
Coding change: c.1815_1817del on transcript NM_001356.5 (MANE Select); coding-DNA positions 1815 to 1817, 3 bases deleted (TAG; older notation c.1815_1817delTAG).
Protein change: p.Ser606del; deletes serine 606.
Molecular consequence: inframe deletion. On other transcripts: non-coding transcript variant (1).
Genome position (GRCh38, 1-based): chrX:41,347,357-41,347,359, TAG deleted; deleting any 3 consecutive bases within chrX:41,347,355-41,347,359 gives the same sequence; the c. name uses the placement nearest the transcript's 3' end. VCF-style (leftmost placement, unchanged base first): chrX-41347354-AAGT-A. GRCh37 (hg19) VCF-style: chrX-41206607-AAGT-A.
Other names: p.Ser605del; c.1812_1814del, p.Ser605del (NM_001193416.3); c.1767_1769del, p.Ser590del (NM_001193417.3); c.1254_1256del, p.Ser419del (NM_001363819.1); short protein forms S590del, S606del, S419del, S605del.
Identifiers: ClinVar variation 1037778 (VCV001037778.11), dbSNP rs2063940085, ClinGen allele CA2425881804.